The following is an entry in ClinVar:

ClinVar aggregate classification (germline): Pathogenic (1 of 4 stars; one submission).

Submission:

Labcorp Genetics (formerly Invitae), Labcorp
Classification: Pathogenic. Last evaluated: 2023-08-28. Review status: criteria provided, single submitter. Criteria: Invitae Variant Classification Sherloc (09022015). Collection method: clinical testing. Allele origin: germline.
Comment: For these reasons, this variant has been classified as Pathogenic. This variant has not been reported in the literature in individuals affected with COL4A4-related conditions. This variant is not present in population databases (gnomAD no frequency). This sequence change creates a premature translational stop signal (p.Leu886Profs*11) in the COL4A4 gene. It is expected to result in an absent or disrupted protein product. Loss-of-function variants in COL4A4 are known to be pathogenic (PMID: 21196518, 24854265, 25307543).

Literature cited by the submitters: PubMed 21196518; PubMed 24854265; PubMed 25307543.

NM_000092.5(COL4A4):c.2656dup (p.Leu886fs)

Gene: COL4A4 (collagen type IV alpha 4 chain; minus strand). Cytogenetic location: 2q36.3.
Variant type: Duplication.
Coding change: c.2656dup on transcript NM_000092.5 (MANE Select); coding-DNA position 2656, one base duplicated (C; older notation c.2656dupC).
Protein change: p.Leu886fs; shifts the reading frame from leucine 886.
Molecular consequence: frameshift variant.
Genome position (GRCh38, 1-based): chr2:227,056,005, G duplicated on the plus strand (C on the coding strand, the reverse complement: COL4A4 is on the minus strand); the first of 2 consecutive G bases (chr2:227,056,005-227,056,006); duplicating either gives the same sequence. VCF-style (leftmost placement, unchanged base first): chr2-227056004-A-AG. GRCh37 (hg19) VCF-style: chr2-227920720-A-AG.
Other names: short protein forms L886fs.
Identifiers: ClinVar variation 2755291 (VCV002755291.3), dbSNP rs1304635321, ClinGen allele CA765669586.